The following is an entry in ClinVar:

NM_001018005.2(TPM1):c.413A>C (p.Glu138Ala)

Gene: TPM1 (tropomyosin 1; plus strand). Cytogenetic location: 15q22.2.
Variant type: single nucleotide variant.
Coding change: c.413A>C on transcript NM_001018005.2 (MANE Select); coding-DNA position 413, A replaced by C.
Protein change: p.Glu138Ala; replaces glutamic acid 138 with alanine.
Molecular consequence: missense variant.
Genome position (GRCh38, 1-based): chr15:63,059,601, A>C. VCF-style: chr15-63059601-A-C. GRCh37 (hg19) VCF-style: chr15-63351800-A-C.
Other names: c.305A>C, p.Glu102Ala (NM_001330344.2, NM_001330346.2, NM_001330351.2 and 5 more transcripts); c.413A>C, p.Glu138Ala (NM_001365776.1, NM_001365777.1, NM_001365779.1 and 6 more transcripts); c.539A>C, p.Glu180Ala (NM_001365778.1); short protein forms E102A, E138A, E180A.
Identifiers: ClinVar variation 1176994 (VCV001176994.40), dbSNP rs786204410, ClinGen allele CA392722109.

ClinVar aggregate classification (germline): Conflicting classifications of pathogenicity. Review status: criteria provided, conflicting classifications (1 of 4 stars). 2 submissions from 2 submitters: Likely pathogenic (1); Uncertain significance (1). Last evaluated 2022-07-09.

Conditions:
Hypertrophic cardiomyopathy. Also called: HYPERTROPHIC MYOCARDIOPATHY. Identifiers: Orphanet 217569, MedGen C0007194, MeSH D002312, MONDO:0005045, HP:0001639.

Submissions (2):

Labcorp Genetics (formerly Invitae), Labcorp
Classification: Uncertain significance for Hypertrophic cardiomyopathy. Last evaluated: 2022-07-09. Review status: criteria provided, single submitter. Criteria: Invitae Variant Classification Sherloc (09022015). Collection method: clinical testing. Allele origin: germline.
Comment: This variant is not present in population databases (gnomAD no frequency). This sequence change replaces glutamic acid, which is acidic and polar, with alanine, which is neutral and non-polar, at codon 138 of the TPM1 protein (p.Glu138Ala). This variant has not been reported in the literature in individuals affected with TPM1-related conditions. In summary, the available evidence is currently insufficient to determine the role of this variant in disease. Therefore, it has been classified as a Variant of Uncertain Significance. Algorithms developed to predict the effect of missense changes on protein structure and function are either unavailable or do not agree on the potential impact of this missense change (SIFT: "Deleterious"; PolyPhen-2: "Probably Damaging"; Align-GVGD: "Class C0"). ClinVar contains an entry for this variant (Variation ID: 1176994).

CeGaT Center for Human Genetics Tuebingen
Classification: Likely pathogenic. Last evaluated: 2021-02-01. Review status: criteria provided, single submitter. Criteria: CeGaT Center For Human Genetics Tuebingen Variant Classification Criteria Version 2. Collection method: clinical testing. Allele origin: germline. Affected: yes. Observed: 1 variant allele.